The following is an entry in ClinVar:

ClinVar aggregate classification (germline): Likely pathogenic (1 of 4 stars; one submission).

Conditions:
Walker-Warburg congenital muscular dystrophy. Also called: Muscular dystrophy-dystroglycanopathy, type A; Walker-Warburg syndrome. Identifiers: Orphanet 899, MedGen C0265221, MONDO:0000171.

Submission:

Labcorp Genetics (formerly Invitae), Labcorp
Classification: Likely pathogenic for Walker-Warburg congenital muscular dystrophy. Last evaluated: 2022-04-15. Review status: criteria provided, single submitter. Criteria: Invitae Variant Classification Sherloc (09022015). Collection method: clinical testing. Allele origin: germline.
Comment: This variant has not been reported in the literature in individuals affected with FKRP-related conditions. Advanced modeling of protein sequence and biophysical properties (such as structural, functional, and spatial information, amino acid conservation, physicochemical variation, residue mobility, and thermodynamic stability) performed at Invitae indicates that this missense variant is expected to disrupt FKRP protein function. This variant disrupts the p.Asn463 amino acid residue in FKRP. Other variant(s) that disrupt this residue have been determined to be pathogenic (PMID: 17336067; Invitae). This suggests that this residue is clinically significant, and that variants that disrupt this residue are likely to be disease-causing. This variant is not present in population databases (gnomAD no frequency). In summary, the currently available evidence indicates that the variant is pathogenic, but additional data are needed to prove that conclusively. Therefore, this variant has been classified as Likely Pathogenic. This sequence change replaces asparagine, which is neutral and polar, with lysine, which is basic and polar, at codon 463 of the FKRP protein (p.Asn463Lys).

Literature cited by the submitters: PubMed 17336067.

NM_024301.5(FKRP):c.1389C>A (p.Asn463Lys)

Gene: FKRP (fukutin related protein; plus strand). Cytogenetic location: 19q13.32.
Variant type: single nucleotide variant.
Coding change: c.1389C>A on transcript NM_024301.5 (MANE Select); coding-DNA position 1389, C replaced by A.
Protein change: p.Asn463Lys; replaces asparagine 463 with lysine.
Molecular consequence: missense variant.
Genome position (GRCh38, 1-based): chr19:46,756,839, C>A. VCF-style: chr19-46756839-C-A. GRCh37 (hg19) VCF-style: chr19-47260096-C-A.
Other names: c.1389C>A, p.Asn463Lys (NM_001039885.3); short protein forms N463K.
Identifiers: ClinVar variation 1957901 (VCV001957901.5), dbSNP rs765591278, ClinGen allele CA406497264.